The following is an entry in ClinVar:

NM_002691.4(POLD1):c.1711C>G (p.Pro571Ala)

Gene: POLD1 (DNA polymerase delta 1, catalytic subunit; plus strand). Cytogenetic location: 19q13.33.
Variant type: single nucleotide variant.
Coding change: c.1711C>G on transcript NM_002691.4 (MANE Select); coding-DNA position 1711, C replaced by G.
Protein change: p.Pro571Ala; replaces proline 571 with alanine.
Molecular consequence: missense variant. On other transcripts: non-coding transcript variant (1).
Genome position (GRCh38, 1-based): chr19:50,407,351, C>G. VCF-style: chr19-50407351-C-G. GRCh37 (hg19) VCF-style: chr19-50910608-C-G.
Other names: c.1711C>G (NM_002691.2); c.1711C>G, p.Pro571Ala (NM_001256849.1, NM_001308632.1); short protein forms P571A.
Identifiers: ClinVar variation 1341327 (VCV001341327.2), dbSNP rs2122344200, ClinGen allele CA406981218.

ClinVar aggregate classification (germline): Uncertain significance. Review status: criteria provided, multiple submitters, no conflicts (2 of 4 stars). 2 submissions from 2 submitters: Uncertain significance (2). Last evaluated 2024-10-11.

Conditions:
Mandibular hypoplasia-deafness-progeroid syndrome. Also called: Mandibular hypoplasia, deafness, progeroid features, and lipodystrophy syndrome. Identifiers: Orphanet 363649, MedGen C3715192, MONDO:0014157, OMIM 615381.
Hereditary cancer-predisposing syndrome. Also called: Neoplastic Syndromes, Hereditary; Tumor predisposition; Hereditary Cancer Syndrome; Hereditary neoplastic syndrome. Identifiers: Orphanet 140162, MedGen C0027672, MeSH D009386, MONDO:0015356.

Submissions (2):

Ambry Genetics
Classification: Uncertain significance for Hereditary cancer-predisposing syndrome. Last evaluated: 2024-10-11. Review status: criteria provided, single submitter. Criteria: Ambry Variant Classification Scheme 2023. Collection method: clinical testing. Allele origin: germline.
Comment: The p.P571A variant (also known as c.1711C>G), located in coding exon 13 of the POLD1 gene, results from a C to G substitution at nucleotide position 1711. The proline at codon 571 is replaced by alanine, an amino acid with highly similar properties. This amino acid position is conserved. In addition, the in silico prediction for this alteration is inconclusive. Based on the available evidence, the clinical significance of this variant remains unclear.

Baylor Genetics
Classification: Uncertain significance for Mandibular hypoplasia-deafness-progeroid syndrome. Last evaluated: 2021-12-21. Review status: criteria provided, single submitter. Criteria: ACMG Guidelines, 2015. Collection method: clinical testing. Allele origin: paternal. Affected: yes. Study: CSER-TexasKidsCanSeq.
Comment: This variant was determined to be of uncertain significance according to ACMG Guidelines, 2015 [PMID:25741868].